The following is an entry in ClinVar:

ClinVar aggregate classification (germline): Uncertain significance. Review status: criteria provided, multiple submitters, no conflicts (2 of 4 stars). 2 submissions from 2 submitters: Uncertain significance (2). Last evaluated 2022-03-28.

Conditions:
Inborn genetic diseases. Identifiers: MedGen C0950123, MeSH D030342.

Allele frequency attached by ClinVar (database versions not stated): TOPMed below 0.00001; ExAC 0.00001; gnomAD 0.00001; gnomAD exomes 0.00001 and 0.00002.

Submissions (2):

Labcorp Genetics (formerly Invitae), Labcorp
Classification: Uncertain significance. Last evaluated: 2022-03-28. Review status: criteria provided, single submitter. Criteria: Invitae Variant Classification Sherloc (09022015). Collection method: clinical testing. Allele origin: germline.
Comment: This sequence change replaces methionine, which is neutral and non-polar, with isoleucine, which is neutral and non-polar, at codon 185 of the RETREG1 protein (p.Met185Ile). This variant is present in population databases (rs780286920, gnomAD 0.01%). This variant has not been reported in the literature in individuals affected with RETREG1-related conditions. ClinVar contains an entry for this variant (Variation ID: 538128). Algorithms developed to predict the effect of missense changes on protein structure and function are either unavailable or do not agree on the potential impact of this missense change (SIFT: "Tolerated"; PolyPhen-2: "Possibly Damaging"; Align-GVGD: "Class C0"). In summary, the available evidence is currently insufficient to determine the role of this variant in disease. Therefore, it has been classified as a Variant of Uncertain Significance.

Ambry Genetics
Classification: Uncertain significance for Inborn genetic diseases. Last evaluated: 2021-05-24. Review status: criteria provided, single submitter. Criteria: Ambry Variant Classification Scheme 2023. Collection method: clinical testing. Allele origin: germline.
Comment: The p.M185I variant (also known as c.555G>A), located in coding exon 4 of the FAM134B gene, results from a G to A substitution at nucleotide position 555. The methionine at codon 185 is replaced by isoleucine, an amino acid with highly similar properties. This amino acid position is not well conserved in available vertebrate species. In addition, this alteration is predicted to be tolerated by in silico analysis. Since supporting evidence is limited at this time, the clinical significance of this alteration remains unclear.

NM_001034850.3(RETREG1):c.555G>A (p.Met185Ile)

Gene: RETREG1 (reticulophagy regulator 1; minus strand). Cytogenetic location: 5p15.1.
Variant type: single nucleotide variant.
Coding change: c.555G>A on transcript NM_001034850.3 (MANE Select); coding-DNA position 555, G replaced by A.
Protein change: p.Met185Ile; replaces methionine 185 with isoleucine.
Molecular consequence: missense variant.
Genome position (GRCh38, 1-based): chr5:16,483,376, C>T on the plus strand (G>A on the coding strand, the complement: RETREG1 is on the minus strand). VCF-style: chr5-16483376-C-T. GRCh37 (hg19) VCF-style: chr5-16483485-C-T.
Other names: c.132G>A, p.Met44Ile (NM_019000.5); short protein forms M185I, M44I.
Identifiers: ClinVar variation 538128 (VCV000538128.10), dbSNP rs780286920, ClinGen allele CA3210417.